The following is an entry in ClinVar:

NM_001267550.2(TTN):c.106259_106271del (p.Pro35420fs)

Genes: TTN (titin; minus strand), TTN-AS1 (TTN antisense RNA 1; plus strand). Cytogenetic location: 2q31.2.
Variant type: Deletion.
Coding change: c.106259_106271del on transcript NM_001267550.2 (MANE Select); coding-DNA positions 106259 to 106271, 13 bases deleted (CAGTAATTGTTAC).
Protein change: p.Pro35420fs; shifts the reading frame from proline 35420.
Molecular consequence: frameshift variant.
Genome position (GRCh38, 1-based): chr2:178,530,344-178,530,356, GTAACAATTACTG deleted on the plus strand (CAGTAATTGTTAC on the coding strand, the reverse complement: TTN is on the minus strand); deleting any 13 consecutive bases within chr2:178,530,344-178,530,358 gives the same sequence; the c. name uses the placement nearest the transcript's 3' end. VCF-style (leftmost placement, unchanged base first): chr2-178530343-AGTAACAATTACTG-A. GRCh37 (hg19) VCF-style: chr2-179395070-AGTAACAATTACTG-A.
Other names: c.101336_101348del, p.Pro33779fs (NM_001256850.1); c.79064_79076del, p.Pro26355fs (NM_003319.4); c.98555_98567del, p.Pro32852fs (NM_133378.4); c.79439_79451del, p.Pro26480fs (NM_133432.3); c.79640_79652del, p.Pro26547fs (NM_133437.4); c.79064_79076del13 (NM_003319.4); short protein forms P26480fs, P32852fs, P35420fs, P26355fs, P26547fs, P33779fs.
Identifiers: ClinVar variation 1761154 (VCV001761154.11), dbSNP rs2468365185, ClinGen allele CA2577170311.

ClinVar aggregate classification (germline): Conflicting classifications of pathogenicity. Review status: criteria provided, conflicting classifications (1 of 4 stars). 4 submissions from 4 submitters: Likely pathogenic (3); Uncertain significance (1). Last evaluated 2025-06-06.

Conditions:
TTN-related disorder. Also called: TTN-related condition; TTN-related disease; TTN-related disorders.
Cardiovascular phenotype. Identifiers: MedGen CN230736.
Autosomal recessive limb-girdle muscular dystrophy type 2J (LGMDR10). Also called: Limb-girdle muscular dystrophy, type 2J; MUSCULAR DYSTROPHY, LIMB-GIRDLE, AUTOSOMAL RECESSIVE 10. Identifiers: Orphanet 140922, MedGen C1837342, MONDO:0012127, OMIM 608807.
Dilated cardiomyopathy 1G (CMD1G). Identifiers: Orphanet 154, MedGen C1858763, MONDO:0011400, OMIM 604145.

Submissions (4):

Labcorp Genetics (formerly Invitae), Labcorp
Classification: Likely pathogenic for Dilated cardiomyopathy 1G; Autosomal recessive limb-girdle muscular dystrophy type 2J. Last evaluated: 2025-06-06. Review status: criteria provided, single submitter. Criteria: Invitae Variant Classification Sherloc (09022015). Collection method: clinical testing. Allele origin: germline.
Comment: This sequence change creates a premature translational stop signal (p.Pro35420Leufs*54) in the TTN gene. While this is not anticipated to result in nonsense mediated decay, it is expected to create a truncated TTN protein. This variant is not present in population databases (gnomAD no frequency). This premature translational stop signal has been observed in individual(s) with clinical features of TTN-related conditions (PMID: 38429495). ClinVar contains an entry for this variant (Variation ID: 1761154). This variant is located in the M band of TTN (PMID: 25589632). Truncating variants in this region have been previously reported in individuals affected with autosomal dominant or autosomal recessive myopathy and muscular dystrophy (PMID: 18948003, 23975875, 24395473). Truncating variants in this region have also been identified in individuals affected with autosomal dominant dilated cardiomyopathy and/or cardio-related conditions (PMID: 27869827, 32964742, internal data). In summary, the currently available evidence indicates that the variant is pathogenic, but additional data are needed to prove that conclusively. Therefore, this variant has been classified as Likely Pathogenic.

Ambry Genetics
Classification: Likely pathogenic for Cardiovascular phenotype. Last evaluated: 2023-10-19. Review status: criteria provided, single submitter. Criteria: Ambry Variant Classification Scheme 2023. Collection method: clinical testing. Allele origin: germline.
Comment: The c.79064_79076del13 variant, located in coding exon 185 of the TTN gene, results from a deletion of 13 nucleotides at nucleotide positions 79064 to 79076, causing a translational frameshift with a predicted alternate stop codon (p.P26355Lfs*54). This exon is located in the M-band region of the N2-B isoform of the titin protein and is constitutively expressed in TTN transcripts (percent spliced in or PSI 100%). This variant is considered to be rare based on population cohorts in the Genome Aggregation Database (gnomAD). This alteration is expected to result in loss of function by premature protein truncation or nonsense-mediated mRNA decay. While truncating variants in TTN are present in 1-3% of the general population, truncating variants in the M-band have been reported in association with autosomal recessive titinopathies, primarily presenting with skeletal myopathy phenotypes (Ceyhan-Birsoy O et al. Neurology. 2013 Oct 1;81(14):1205-14; De Cid R et al. Neurology. 2015;85(24):2126-35). In addition, regardless of their position, TTN truncating variants encoded in constitutive exons (PSI >90%) have been found to be significantly associated with dilated cardiomyopathy (DCM), though truncating variants in the A-band are the most common cause of DCM (Herman DS et al. N. Engl. J. Med., 2012 Feb;366:619-28; Roberts AM et al. Sci Transl Med, 2015 Jan;7:270ra6; Schafer S et al. Nat. Genet., 2017 01;49:46-53). Based on the majority of available evidence to date, this variant is likely to be pathogenic in association with autosomal recessive titinopathy; however, the clinical significance of this alteration with respect to cardiomyopathy remains unclear.

Blueprint Genetics
Classification: Likely pathogenic for TTN-related disorders. Last evaluated: 2023-07-20. Review status: criteria provided, single submitter. Criteria: ACMG Guidelines, 2015. Collection method: clinical testing. Allele origin: germline. Affected: yes. Observed: 2 variant alleles.

Revvity Omics, Revvity
Classification: Uncertain significance. Last evaluated: 2020-12-01. Review status: criteria provided, single submitter. Criteria: ACMG Guidelines, 2015. Collection method: clinical testing. Allele origin: germline.

Literature cited by the submitters: PubMed 38429495 (cited by Labcorp Genetics (formerly Invitae), Labcorp); PubMed 25589632 (cited by Labcorp Genetics (formerly Invitae), Labcorp); PubMed 18948003 (cited by Labcorp Genetics (formerly Invitae), Labcorp); PubMed 23975875 (cited by Labcorp Genetics (formerly Invitae), Labcorp); PubMed 24395473 (cited by Labcorp Genetics (formerly Invitae), Labcorp); PubMed 27869827 (cited by Labcorp Genetics (formerly Invitae), Labcorp); PubMed 32964742 (cited by Labcorp Genetics (formerly Invitae), Labcorp).